The following is an entry in ClinVar:

ClinVar aggregate classification (germline): Uncertain significance (1 of 4 stars; one submission).

Conditions:
X-linked distal spinal muscular atrophy type 3. Also called: SPINAL MUSCULAR ATROPHY, DISTAL, X-LINKED RECESSIVE; NEURONOPATHY, DISTAL HEREDITARY MOTOR, X-LINKED; NEUROPATHY, DISTAL HEREDITARY MOTOR, X-LINKED; ATP7A-Related Distal Motor Neuropathy. Identifiers: Orphanet 139557, MedGen C1845359, MONDO:0010338, OMIM 300489.
Menkes kinky-hair syndrome (MNK). Also called: Classic Menkes Disease; Menkes Disease; Copper transport disease. Identifiers: Orphanet 565, MedGen C0022716, MONDO:0010651, OMIM 309400.
Cutis laxa, X-linked (OHS). Also called: EDS IX; Occipital horn syndrome. Identifiers: Orphanet 198, MedGen C0268353, MONDO:0010572, OMIM 304150.

Submission:

Labcorp Genetics (formerly Invitae), Labcorp
Classification: Uncertain significance for X-linked distal spinal muscular atrophy type 3; Cutis laxa, X-linked; Menkes kinky-hair syndrome. Last evaluated: 2020-01-09. Review status: criteria provided, single submitter. Criteria: Invitae Variant Classification Sherloc (09022015). Collection method: clinical testing. Allele origin: germline.
Comment: In summary, the available evidence is currently insufficient to determine the role of this variant in disease. Therefore, it has been classified as a Variant of Uncertain Significance. Algorithms developed to predict the effect of missense changes on protein structure and function are either unavailable or do not agree on the potential impact of this missense change (SIFT: "Deleterious"; PolyPhen-2: "Probably Damaging"; Align-GVGD: "Class C0"). This variant has not been reported in the literature in individuals with ATP7A-related conditions. This variant is not present in population databases (ExAC no frequency). This sequence change replaces aspartic acid with tyrosine at codon 72 of the ATP7A protein (p.Asp72Tyr). The aspartic acid residue is moderately conserved and there is a large physicochemical difference between aspartic acid and tyrosine.

NM_000052.7(ATP7A):c.214G>T (p.Asp72Tyr)

Gene: ATP7A (ATPase copper transporting alpha; plus strand). Cytogenetic location: Xq21.1.
Variant type: single nucleotide variant.
Coding change: c.214G>T on transcript NM_000052.7 (MANE Select); coding-DNA position 214, G replaced by T.
Protein change: p.Asp72Tyr; replaces aspartic acid 72 with tyrosine.
Molecular consequence: missense variant.
Genome position (GRCh38, 1-based): chrX:77,988,335, G>T. VCF-style: chrX-77988335-G-T. GRCh37 (hg19) VCF-style: chrX-77243831-G-T.
Other names: c.214G>T, p.Asp72Tyr (NM_001282224.2); short protein forms D72Y.
Identifiers: ClinVar variation 1021364 (VCV001021364.9), dbSNP rs2077650482, ClinGen allele CA413599057.